The following is an entry in ClinVar:

NM_003482.4(KMT2D):c.11408G>C (p.Gly3803Ala)

Gene: KMT2D (lysine methyltransferase 2D; minus strand). Cytogenetic location: 12q13.12.
Variant type: single nucleotide variant.
Coding change: c.11408G>C on transcript NM_003482.4 (MANE Select); coding-DNA position 11408, G replaced by C.
Protein change: p.Gly3803Ala; replaces glycine 3803 with alanine.
Molecular consequence: missense variant.
Genome position (GRCh38, 1-based): chr12:49,033,297, C>G on the plus strand (G>C on the coding strand, the complement: KMT2D is on the minus strand). VCF-style: chr12-49033297-C-G. GRCh37 (hg19) VCF-style: chr12-49427080-C-G.
Other names: short protein forms G3803A.
Identifiers: ClinVar variation 575673 (VCV000575673.8), dbSNP rs912279409, ClinGen allele CA236640058.
Genomic context (GRCh38, chr12:49,033,297, plus strand): 5'-GGGCCCTGGGGGCCCAAAGCTCCAGGGTGCTGCTGCTGCAACACAGCCACCTGGGCAGGG[C>G]CCAGCATGCCCTGGGGCCCCTGGGGTGGTTGAGGGGACAGCTGCTGGACCAGGAGGCCTT-3'
Protein context (NP_003473.3, residues 3793-3813): QPPQGPQGML[Gly3803Ala]PAQVAVLQQQ

ClinVar aggregate classification (germline): Uncertain significance (1 of 4 stars; one submission).

Conditions:
Kabuki syndrome. Also called: Kabuki make-up syndrome; NIIKAWA-KUROKI SYNDROME. Identifiers: Orphanet 2322, MedGen C0796004, MONDO:0016512.

Allele frequency attached by ClinVar (database versions not stated): TOPMed below 0.00001.

Submission:

Labcorp Genetics (formerly Invitae), Labcorp
Classification: Uncertain significance for Kabuki syndrome. Last evaluated: 2023-06-04. Review status: criteria provided, single submitter. Criteria: Invitae Variant Classification Sherloc (09022015). Collection method: clinical testing. Allele origin: germline.
Comment: This sequence change replaces glycine, which is neutral and non-polar, with alanine, which is neutral and non-polar, at codon 3803 of the KMT2D protein (p.Gly3803Ala). This variant is not present in population databases (gnomAD no frequency). This variant has not been reported in the literature in individuals affected with KMT2D-related conditions. ClinVar contains an entry for this variant (Variation ID: 575673). Advanced modeling of protein sequence and biophysical properties (such as structural, functional, and spatial information, amino acid conservation, physicochemical variation, residue mobility, and thermodynamic stability) performed at Invitae indicates that this missense variant is not expected to disrupt KMT2D protein function. In summary, the available evidence is currently insufficient to determine the role of this variant in disease. Therefore, it has been classified as a Variant of Uncertain Significance.